The following is an entry in ClinVar:

ClinVar aggregate classification (germline): Uncertain significance (1 of 4 stars; one submission).

Conditions:
Multiple endocrine neoplasia, type 2 (MEN2). Identifiers: Orphanet 653, MedGen C4048306, MONDO:0019003. Disease mechanism: gain of function.

Submission:

Labcorp Genetics (formerly Invitae), Labcorp
Classification: Uncertain significance for Multiple endocrine neoplasia, type 2. Last evaluated: 2024-03-16. Review status: criteria provided, single submitter. Criteria: Invitae Variant Classification Sherloc (09022015). Collection method: clinical testing. Allele origin: germline.
Comment: This sequence change replaces glutamic acid, which is acidic and polar, with alanine, which is neutral and non-polar, at codon 762 of the RET protein (p.Glu762Ala). This variant is not present in population databases (gnomAD no frequency). This variant has not been reported in the literature in individuals affected with RET-related conditions. An algorithm developed to predict the effect of missense changes on protein structure and function (PolyPhen-2) suggests that this variant is likely to be disruptive. In summary, the available evidence is currently insufficient to determine the role of this variant in disease. Therefore, it has been classified as a Variant of Uncertain Significance.

NM_020975.6(RET):c.2285A>C (p.Glu762Ala)

Gene: RET (ret proto-oncogene; plus strand). Cytogenetic location: 10q11.21.
Variant type: single nucleotide variant.
Coding change: c.2285A>C on transcript NM_020975.6 (MANE Select); coding-DNA position 2285, A replaced by C.
Protein change: p.Glu762Ala; replaces glutamic acid 762 with alanine.
Molecular consequence: missense variant.
Genome position (GRCh38, 1-based): chr10:43,118,373, A>C. VCF-style: chr10-43118373-A-C. GRCh37 (hg19) VCF-style: chr10-43613821-A-C.
Other names: c.1760A>C, p.Glu587Ala (NM_001406774.1); c.1559A>C, p.Glu520Ala (NM_001406775.1, NM_001406776.1, NM_001406777.1 and 1 more transcripts); c.1388A>C, p.Glu463Ala (NM_001406779.1, NM_001406780.1, NM_001406781.1 and 1 more transcripts); c.1259A>C, p.Glu420Ala (NM_001406783.1, NM_001406786.1); c.836A>C, p.Glu279Ala (NM_001406793.1, NM_001406794.1, NM_001406792.1); c.2285A>C, p.Glu762Ala (NM_020630.7, NM_001406743.1, NM_001406744.1 and 2 more transcripts); c.1523A>C, p.Glu508Ala (NM_001355216.2); c.2156A>C, p.Glu719Ala (NM_001406761.1, NM_001406762.1, NM_001406764.1); and 10 more; short protein forms E418A, E420A, E587A, E616A, E463A, E630A, E719A, E279A.
Identifiers: ClinVar variation 3646168 (VCV003646168.2).